The following is an entry in ClinVar:

ClinVar aggregate classification (germline): Conflicting classifications of pathogenicity. Review status: criteria provided, conflicting classifications (1 of 4 stars). 6 submissions from 6 submitters: Uncertain significance (1); Likely benign (5). Last evaluated 2026-09-10.

Conditions:
TTN-related disorder. Also called: TTN-related condition; TTN-related disease; TTN-related disorders.
Cardiovascular phenotype. Identifiers: MedGen CN230736.
Autosomal recessive limb-girdle muscular dystrophy type 2J (LGMDR10). Also called: Limb-girdle muscular dystrophy, type 2J; MUSCULAR DYSTROPHY, LIMB-GIRDLE, AUTOSOMAL RECESSIVE 10. Identifiers: Orphanet 140922, MedGen C1837342, MONDO:0012127, OMIM 608807.
Dilated cardiomyopathy 1G (CMD1G). Identifiers: Orphanet 154, MedGen C1858763, MONDO:0011400, OMIM 604145.

Allele frequency attached by ClinVar (database versions not stated): gnomAD exomes 0.00001 and 0.00004; ExAC 0.00002; gnomAD 0.00009; TOPMed 0.00017.
gnomAD v4.1: 32 of 1,613,712 alleles (0.002%); highest among the groups gnomAD compares: African/African-American, 0.025%; no homozygotes.

Submissions (6):

PreventionGenetics, part of Exact Sciences
Classification: Likely benign for TTN-related condition. Last evaluated: 2026-09-10. Review status: criteria provided, single submitter. Criteria: ACMG Guidelines, 2015. Collection method: clinical testing. Allele origin: germline.
Comment: This variant is classified as likely benign based on ACMG/AMP sequence variant interpretation guidelines (Richards et al. 2015 PMID: 25741868, with internal and published modifications).

Labcorp Genetics (formerly Invitae), Labcorp
Classification: Likely benign for Dilated cardiomyopathy 1G; Autosomal recessive limb-girdle muscular dystrophy type 2J. Last evaluated: 2025-11-01. Review status: criteria provided, single submitter. Criteria: Invitae Variant Classification Sherloc (09022015). Collection method: clinical testing. Allele origin: germline.

Athena Diagnostics
Classification: Likely benign. Last evaluated: 2025-01-30. Review status: criteria provided, single submitter. Criteria: Athena Diagnostics Criteria. Collection method: clinical testing. Allele origin: unknown.
Comment: Computational tools yielded predictions that this variant is unlikely to have an effect on normal RNA splicing. This nucleotide position exhibits low evolutionary conservation.

Ambry Genetics
Classification: Likely benign for Cardiovascular phenotype. Last evaluated: 2020-06-24. Review status: criteria provided, single submitter. Criteria: Ambry Variant Classification Scheme 2023. Collection method: clinical testing. Allele origin: germline.

GeneDx
Classification: Likely benign. Last evaluated: 2020-04-23. Review status: criteria provided, single submitter. Criteria: GeneDx Variant Classification Process June 2021. Collection method: clinical testing. Allele origin: germline. Affected: yes.

Eurofins Ntd Llc (ga)
Classification: Uncertain significance. Last evaluated: 2018-06-08. Review status: criteria provided, single submitter. Criteria: EGL ClinVar v180209 classification definitions. Collection method: clinical testing. Allele origin: germline. Observed: 1 variant allele, 1 heterozygote.

NM_001267550.2(TTN):c.13458C>T (p.Asp4486=)

Gene: TTN (titin; minus strand). Cytogenetic location: 2q31.2.
Variant type: single nucleotide variant.
Coding change: c.13458C>T on transcript NM_001267550.2 (MANE Select); coding-DNA position 13458, C replaced by T.
Protein change: p.Asp4486=; no amino-acid change (aspartic acid 4486 retained).
Molecular consequence: synonymous variant. On other transcripts: intron variant (1).
Genome position (GRCh38, 1-based): chr2:178,739,775, G>A on the plus strand (C>T on the coding strand, the complement: TTN is on the minus strand). VCF-style: chr2-178739775-G-A. GRCh37 (hg19) VCF-style: chr2-179604502-G-A.
Other names: c.13458C>T (NM_001267550.1); c.12507C>T, p.Asp4169= (NM_001256850.1); c.12369C>T, p.Asp4123= (NM_003319.4); c.12744C>T, p.Asp4248= (NM_133432.3); c.12945C>T, p.Asp4315= (NM_133437.4); c.10361-1415C>T (NM_133378.4).
Identifiers: ClinVar variation 516444 (VCV000516444.59), dbSNP rs748885610, ClinGen allele CA2002579.
Genomic context (GRCh38, chr2:178,739,775, plus strand): 5'-TTCTTCTTGCAAACTTGTTTTGGCTCCTTGCTGAATTCTAGGACCCTCAGCTGTTAGGAT[G>A]TCTATTTCCTCATATATAATAGCACACAAAGCATCCCTAAGTTCCATTTTCAGGTTAGCC-3'
Protein context (NP_001254479.2, residues 4476-4496): ALCAIIYEEI[Asp4486=]ILTAEGPRIQ